The following is an entry in ClinVar:

ClinVar aggregate classification (germline): Uncertain significance (1 of 4 stars; one submission).

Submission:

Ambry Genetics
Classification: Uncertain significance. Last evaluated: 2023-01-28. Review status: criteria provided, single submitter. Criteria: Ambry Variant Classification Scheme 2023. Collection method: clinical testing. Allele origin: germline.
Comment: The p.T795I variant (also known as c.2384C>T), located in coding exon 13 of the NPAT gene, results from a C to T substitution at nucleotide position 2384. The threonine at codon 795 is replaced by isoleucine, an amino acid with similar properties. This amino acid position is conserved. In addition, this alteration is predicted to be tolerated by in silico analysis. Since supporting evidence is limited at this time, the clinical significance of this alteration remains unclear.

NM_002519.3(NPAT):c.2384C>T (p.Thr795Ile)

Gene: NPAT (nuclear protein, coactivator of histone transcription; minus strand). Cytogenetic location: 11q22.3.
Variant type: single nucleotide variant.
Coding change: c.2384C>T on transcript NM_002519.3 (MANE Select); coding-DNA position 2384, C replaced by T.
Protein change: p.Thr795Ile; replaces threonine 795 with isoleucine.
Molecular consequence: missense variant.
Genome position (GRCh38, 1-based): chr11:108,172,600, G>A on the plus strand (C>T on the coding strand, the complement: NPAT is on the minus strand). VCF-style: chr11-108172600-G-A. GRCh37 (hg19) VCF-style: chr11-108043327-G-A.
Other names: c.2384C>T, p.Thr795Ile (NM_001321307.1); short protein forms T795I.
Identifiers: ClinVar variation 2453782 (VCV002453782.2), dbSNP rs2496717459, ClinGen allele CA382513091.